The following is an entry in ClinVar:

NM_013432.5(TONSL):c.608G>A (p.Arg203His)

Gene: TONSL (tonsoku like, DNA repair protein; minus strand). Cytogenetic location: 8q24.3.
Variant type: single nucleotide variant.
Coding change: c.608G>A on transcript NM_013432.5 (MANE Select); coding-DNA position 608, G replaced by A.
Protein change: p.Arg203His; replaces arginine 203 with histidine.
Molecular consequence: missense variant.
Genome position (GRCh38, 1-based): chr8:144,442,383, C>T on the plus strand (G>A on the coding strand, the complement: TONSL is on the minus strand). VCF-style: chr8-144442383-C-T. GRCh37 (hg19) VCF-style: chr8-145667766-C-T.
Other names: short protein forms R203H.
Identifiers: ClinVar variation 1974717 (VCV001974717.5), dbSNP rs939592467, ClinGen allele CA187676637.

ClinVar aggregate classification (germline): Uncertain significance (1 of 4 stars; one submission).

Allele frequency attached by ClinVar (database versions not stated): TOPMed 0.00002.

Submission:

Labcorp Genetics (formerly Invitae), Labcorp
Classification: Uncertain significance. Last evaluated: 2024-06-16. Review status: criteria provided, single submitter. Criteria: Invitae Variant Classification Sherloc (09022015). Collection method: clinical testing. Allele origin: germline.
Comment: This sequence change replaces arginine, which is basic and polar, with histidine, which is basic and polar, at codon 203 of the TONSL protein (p.Arg203His). The frequency data for this variant in the population databases is considered unreliable, as metrics indicate poor data quality at this position in the gnomAD database. This variant has not been reported in the literature in individuals affected with TONSL-related conditions. ClinVar contains an entry for this variant (Variation ID: 1974717). Advanced modeling of protein sequence and biophysical properties (such as structural, functional, and spatial information, amino acid conservation, physicochemical variation, residue mobility, and thermodynamic stability) performed at Invitae indicates that this missense variant is expected to disrupt TONSL protein function with a positive predictive value of 80%. In summary, the available evidence is currently insufficient to determine the role of this variant in disease. Therefore, it has been classified as a Variant of Uncertain Significance.